The following is an entry in ClinVar:

NM_004329.3(BMPR1A):c.41A>C (p.Tyr14Ser)

Gene: BMPR1A (bone morphogenetic protein receptor type 1A; plus strand). Cytogenetic location: 10q23.2.
Variant type: single nucleotide variant.
Coding change: c.41A>C on transcript NM_004329.3 (MANE Select); coding-DNA position 41, A replaced by C.
Protein change: p.Tyr14Ser; replaces tyrosine 14 with serine.
Molecular consequence: missense variant. On other transcripts: 5 prime UTR variant (1), non-coding transcript variant (3), intron variant (4).
Genome position (GRCh38, 1-based): chr10:86,876,059, A>C. VCF-style: chr10-86876059-A-C. GRCh37 (hg19) VCF-style: chr10-88635816-A-C.
Other names: c.41A>C, p.Tyr14Ser (NM_001406565.1, NM_001406566.1, NM_001406567.1 and 23 more transcripts); c.-39A>C (NM_001406588.1); c.-17-14003A>C (NM_001406584.1, NM_001406587.1, NM_001406585.1); c.-12-14008A>C (NM_001406586.1); short protein forms Y14S.
Identifiers: ClinVar variation 4842484 (VCV004842484.1).

ClinVar aggregate classification (germline): Uncertain significance (1 of 4 stars; one submission).

Conditions:
Hereditary cancer-predisposing syndrome. Also called: Neoplastic Syndromes, Hereditary; Tumor predisposition; Hereditary Cancer Syndrome; Hereditary neoplastic syndrome. Identifiers: Orphanet 140162, MedGen C0027672, MeSH D009386, MONDO:0015356.

Submission:

Ambry Genetics
Classification: Uncertain significance for Hereditary cancer-predisposing syndrome. Last evaluated: 2026-01-01. Review status: criteria provided, single submitter. Criteria: Ambry Variant Classification Scheme 2023. Collection method: clinical testing. Allele origin: germline.
Comment: The p.Y14S variant (also known as c.41A>C), located in coding exon 1 of the BMPR1A gene, results from an A to C substitution at nucleotide position 41. The tyrosine at codon 14 is replaced by serine, an amino acid with dissimilar properties. This amino acid position is conserved. In addition, this alteration is predicted to be tolerated by in silico analysis. Based on the available evidence, the clinical significance of this variant remains unclear.